The following is an entry in ClinVar:

NM_004415.4(DSP):c.1970C>G (p.Thr657Ser)

Gene: DSP (desmoplakin; plus strand). Cytogenetic location: 6p24.3.
Variant type: single nucleotide variant.
Coding change: c.1970C>G on transcript NM_004415.4 (MANE Select); coding-DNA position 1970, C replaced by G.
Protein change: p.Thr657Ser; replaces threonine 657 with serine.
Molecular consequence: missense variant.
Genome position (GRCh38, 1-based): chr6:7,571,908, C>G. VCF-style: chr6-7571908-C-G. GRCh37 (hg19) VCF-style: chr6-7572141-C-G.
Other names: c.1970C>G, p.Thr657Ser (NM_001008844.3, NM_001319034.2); short protein forms T657S.
Identifiers: ClinVar variation 4786789 (VCV004786789.1).

ClinVar aggregate classification (germline): Uncertain significance (1 of 4 stars; one submission).

Conditions:
Arrhythmogenic cardiomyopathy with wooly hair and keratoderma. Also called: Carvajal syndrome; PALMOPLANTAR KERATODERMA WITH LEFT VENTRICULAR CARDIOMYOPATHY AND WOOLLY HAIR; Dilated cardiomyopathy with woolly hair and keratoderma; Arrhythmogenic cardiomyopathy with woolly hair and keratoderma. Identifiers: Orphanet 65282, MedGen C1854063, MONDO:0011581, OMIM 605676.
Arrhythmogenic right ventricular dysplasia 8 (ARVD8). Also called: Arrhythmogenic Right Ventricular Dysplasia/Cardiomyopathy 8; ARRHYTHMOGENIC RIGHT VENTRICULAR DYSPLASIA, FAMILIAL, 8; ARRHYTHMOGENIC RIGHT VENTRICULAR CARDIOMYOPATHY 8. Identifiers: MedGen C1843896, MONDO:0011831, OMIM 607450.

Submission:

Labcorp Genetics (formerly Invitae), Labcorp
Classification: Uncertain significance for Arrhythmogenic cardiomyopathy with wooly hair and keratoderma; Arrhythmogenic right ventricular dysplasia 8. Last evaluated: 2025-11-24. Review status: criteria provided, single submitter. Criteria: Invitae Variant Classification Sherloc (09022015). Collection method: clinical testing. Allele origin: germline.
Comment: This sequence change replaces threonine, which is neutral and polar, with serine, which is neutral and polar, at codon 657 of the DSP protein (p.Thr657Ser). This variant is not present in population databases (gnomAD no frequency). This variant has not been reported in the literature in individuals affected with DSP-related conditions. An algorithm developed to predict the effect of missense changes on protein structure and function (PolyPhen-2) suggests that this variant is likely to be tolerated. In summary, the available evidence is currently insufficient to determine the role of this variant in disease. Therefore, it has been classified as a Variant of Uncertain Significance.